The following is an entry in ClinVar:

NM_001165967.2(HES7):c.56T>C (p.Leu19Pro)

Gene: HES7 (hes family bHLH transcription factor 7; minus strand). Cytogenetic location: 17p13.1.
Variant type: single nucleotide variant.
Coding change: c.56T>C on transcript NM_001165967.2 (MANE Select); coding-DNA position 56, T replaced by C.
Protein change: p.Leu19Pro; replaces leucine 19 with proline.
Molecular consequence: missense variant.
Genome position (GRCh38, 1-based): chr17:8,123,113, A>G on the plus strand (T>C on the coding strand, the complement: HES7 is on the minus strand). VCF-style: chr17-8123113-A-G. GRCh37 (hg19) VCF-style: chr17-8026431-A-G.
Other names: c.56T>C, p.Leu19Pro (NM_032580.4); short protein forms L19P.
Identifiers: ClinVar variation 2112946 (VCV002112946.4), dbSNP rs2507863568, ClinGen allele CA397991078.

ClinVar aggregate classification (germline): Uncertain significance (1 of 4 stars; one submission).

Submission:

Labcorp Genetics (formerly Invitae), Labcorp
Classification: Uncertain significance. Last evaluated: 2022-04-01. Review status: criteria provided, single submitter. Criteria: Invitae Variant Classification Sherloc (09022015). Collection method: clinical testing. Allele origin: germline.
Comment: In summary, the available evidence is currently insufficient to determine the role of this variant in disease. Therefore, it has been classified as a Variant of Uncertain Significance. Algorithms developed to predict the effect of missense changes on protein structure and function (SIFT, PolyPhen-2, Align-GVGD) all suggest that this variant is likely to be disruptive. This variant has not been reported in the literature in individuals affected with HES7-related conditions. This variant is not present in population databases (gnomAD no frequency). This sequence change replaces leucine, which is neutral and non-polar, with proline, which is neutral and non-polar, at codon 19 of the HES7 protein (p.Leu19Pro).